The following is an entry in ClinVar:

ClinVar aggregate classification (germline): Likely pathogenic (1 of 4 stars; one submission).

Allele frequency attached by ClinVar (database versions not stated): gnomAD exomes 0.00001.

Submission:

Labcorp Genetics (formerly Invitae), Labcorp
Classification: Likely pathogenic. Last evaluated: 2017-08-08. Review status: criteria provided, single submitter. Criteria: Invitae Variant Classification Sherloc (09022015). Collection method: clinical testing. Allele origin: germline.
Comment: In summary, the currently available evidence indicates that the variant is pathogenic, but additional data are needed to prove that conclusively. Therefore, this variant has been classified as Likely Pathogenic. Donor and acceptor splice site variants typically lead to a loss of protein function (PMID: 16199547), and loss-of-function variants in PLCB4 are known to be pathogenic (PMID: 23913798, 27007857). Algorithms developed to predict the effect of sequence changes on RNA splicing suggest that this variant may disrupt the consensus splice site, but this prediction has not been confirmed by published transcriptional studies. This variant has not been reported in the literature in individuals with PLCB4-related disease. This variant is not present in population databases (ExAC no frequency). This sequence change affects an acceptor splice site in intron 33 of the PLCB4 gene. It is expected to disrupt RNA splicing and likely results in an absent or disrupted protein product.

Literature cited by the submitters: PubMed 16199547; PubMed 23913798; PubMed 27007857.

NM_001377142.1(PLCB4):c.3409-1G>T

Gene: PLCB4 (phospholipase C beta 4; plus strand). Cytogenetic location: 20p12.2.
Variant type: single nucleotide variant.
Coding change: c.3409-1G>T on transcript NM_001377142.1 (MANE Select); the canonical splice acceptor site of the intron before coding-DNA position 3409, G replaced by T.
Molecular consequence: splice acceptor variant.
Genome position (GRCh38, 1-based): chr20:9,473,278, G>T. VCF-style: chr20-9473278-G-T. GRCh37 (hg19) VCF-style: chr20-9453925-G-T.
Other names: c.3373-1G>T (NM_001377134.2, NM_000933.4, NM_182797.3 and 2 more transcripts); c.3409-1G>T (NM_001377143.1, NM_001172646.2).
Identifiers: ClinVar variation 1067926 (VCV001067926.7), dbSNP rs1224639550, ClinGen allele CA408213235.